The following is an entry in ClinVar:

ClinVar aggregate classification (germline): Conflicting classifications of pathogenicity. Review status: criteria provided, conflicting classifications (1 of 4 stars). 10 submissions from 9 submitters: Uncertain significance (9); Likely benign (1). Last evaluated 2025-03-27.

Conditions:
LAMB2-related disorder. Also called: LAMB2-related condition.
Pierson syndrome. Also called: MICROCORIA-CONGENITAL NEPHROTIC SYNDROME. Identifiers: Orphanet 2670, MedGen C1836876, MONDO:0012184, OMIM 609049.
LAMB2-related infantile-onset nephrotic syndrome. Also called: NEPHROTIC SYNDROME, TYPE 5, WITHOUT OCULAR ABNORMALITIES; NEPHROTIC SYNDROME, TYPE 5, WITH OCULAR ABNORMALITIES; Nephrotic Syndrome, type 5. Identifiers: Orphanet 306507, MedGen C3280113, MONDO:0013621, OMIM 614199.
Inborn genetic diseases. Identifiers: MedGen C0950123, MeSH D030342.

Allele frequency attached by ClinVar (database versions not stated): gnomAD exomes 0.00032 and 0.00047; gnomAD 0.00033; TOPMed 0.00041; ExAC 0.00049; ESP Exome Variant Server 0.00023.
gnomAD v4.1: 527 of 1,613,640 alleles (0.033%); highest among the groups gnomAD compares: Middle Eastern, 0.13%; no homozygotes.

Submissions (10):

GeneDx
Classification: Uncertain significance. Last evaluated: 2025-03-27. Review status: criteria provided, single submitter. Criteria: GeneDx Variant Classification Process June 2021. Collection method: clinical testing. Allele origin: germline. Affected: yes.
Comment: In silico analysis indicates that this missense variant does not alter protein structure/function; Has not been previously published as pathogenic or benign to our knowledge

Mayo Clinic Laboratories, Mayo Clinic
Classification: Likely benign. Last evaluated: 2025-02-04. Review status: criteria provided, single submitter. Criteria: ACMG Guidelines, 2015. Collection method: clinical testing. Allele origin: germline. Observed: 1 variant allele.
Comment: BS1, BP4_moderate

Blueprint Genetics
Classification: Uncertain significance. Last evaluated: 2024-11-21. Review status: criteria provided, single submitter. Criteria: ACMG Guidelines, 2015. Collection method: clinical testing. Allele origin: germline.

PreventionGenetics, part of Exact Sciences
Classification: Uncertain significance for LAMB2-related condition. Last evaluated: 2023-08-23. Review status: criteria provided, single submitter. Criteria: ACMG Guidelines, 2015. Collection method: clinical testing. Allele origin: germline.
Comment: The LAMB2 c.5039C>T variant is predicted to result in the amino acid substitution p.Ala1680Val. To our knowledge, this variant has not been reported in the literature. This variant is reported in 0.19% of alleles in individuals of Ashkenazi Jewish descent in gnomAD, but at lower frequencies in other sub-populations. At this time, the clinical significance of this variant is uncertain due to the absence of conclusive functional and genetic evidence.

Labcorp Genetics (formerly Invitae), Labcorp
Classification: Uncertain significance for LAMB2-related infantile-onset nephrotic syndrome; Pierson syndrome. Last evaluated: 2022-11-01. Review status: criteria provided, single submitter. Criteria: Invitae Variant Classification Sherloc (09022015). Collection method: clinical testing. Allele origin: germline.
Comment: This sequence change replaces alanine, which is neutral and non-polar, with valine, which is neutral and non-polar, at codon 1680 of the LAMB2 protein (p.Ala1680Val). This variant is present in population databases (rs141473691, gnomAD 0.2%), and has an allele count higher than expected for a pathogenic variant. This variant has not been reported in the literature in individuals affected with LAMB2-related conditions. ClinVar contains an entry for this variant (Variation ID: 345973). Algorithms developed to predict the effect of missense changes on protein structure and function are either unavailable or do not agree on the potential impact of this missense change (SIFT: "Deleterious"; PolyPhen-2: "Benign"; Align-GVGD: "Class C0"). In summary, the available evidence is currently insufficient to determine the role of this variant in disease. Therefore, it has been classified as a Variant of Uncertain Significance.

Ambry Genetics
Classification: Uncertain significance for Inborn genetic diseases. Last evaluated: 2021-07-09. Review status: criteria provided, single submitter. Criteria: Ambry Variant Classification Scheme 2023. Collection method: clinical testing. Allele origin: germline.

Fulgent Genetics
Classification: Uncertain significance for Pierson syndrome; LAMB2-related infantile-onset nephrotic syndrome. Last evaluated: 2018-10-31. Review status: criteria provided, single submitter. Criteria: ACMG Guidelines, 2015. Collection method: clinical testing. Allele origin: unknown.

Illumina Laboratory Services, Illumina
Classification: Uncertain significance for LAMB2-related infantile-onset nephrotic syndrome. Last evaluated: 2018-01-12. Review status: criteria provided, single submitter. Criteria: ICSL Variant Classification Criteria 13 December 2019. Collection method: clinical testing. Allele origin: germline.

Illumina Laboratory Services, Illumina
Classification: Uncertain significance for Pierson syndrome. Last evaluated: 2018-01-12. Review status: criteria provided, single submitter. Criteria: ICSL Variant Classification Criteria 13 December 2019. Collection method: clinical testing. Allele origin: germline.

Breakthrough Genomics
Classification: Uncertain significance. Review status: criteria provided, single submitter. Criteria: ACMG Guidelines, 2015. Collection method: not provided. Allele origin: germline. Inheritance: Autosomal recessive inheritance. Affected: yes.

NM_002292.4(LAMB2):c.5039C>T (p.Ala1680Val)

Gene: LAMB2 (laminin subunit beta 2; minus strand). Cytogenetic location: 3p21.31.
Variant type: single nucleotide variant.
Coding change: c.5039C>T on transcript NM_002292.4 (MANE Select); coding-DNA position 5039, C replaced by T.
Protein change: p.Ala1680Val; replaces alanine 1680 with valine.
Molecular consequence: missense variant.
Genome position (GRCh38, 1-based): chr3:49,121,745, G>A on the plus strand (C>T on the coding strand, the complement: LAMB2 is on the minus strand). VCF-style: chr3-49121745-G-A. GRCh37 (hg19) VCF-style: chr3-49159178-G-A.
Other names: p.Ala1680Val; short protein forms A1680V.
Identifiers: ClinVar variation 345973 (VCV000345973.17), dbSNP rs141473691, ClinGen allele CA2393624.